The following is an entry in ClinVar:

ClinVar aggregate classification (germline): Pathogenic (1 of 4 stars; one submission).

Conditions:
Hereditary diffuse gastric adenocarcinoma (HDGC). Also called: DIFFUSE GASTRIC AND LOBULAR BREAST CANCER SYNDROME. Identifiers: Orphanet 26106, MedGen C1708349, MONDO:0007648, OMIM 137215.

Submission:

Labcorp Genetics (formerly Invitae), Labcorp
Classification: Pathogenic for Hereditary diffuse gastric adenocarcinoma. Last evaluated: 2022-11-29. Review status: criteria provided, single submitter. Criteria: Invitae Variant Classification Sherloc (09022015). Collection method: clinical testing. Allele origin: unknown.
Comment: For these reasons, this variant has been classified as Pathogenic. This variant disrupts a region of the CDH1 protein in which other variant(s) (p.Glu836*) have been determined to be pathogenic (PMID: 29798843). This suggests that this is a clinically significant region of the protein, and that variants that disrupt it are likely to be disease-causing. Experimental studies and prediction algorithms are not available or were not evaluated, and the functional significance of this variant is currently unknown. This variant has not been reported in the literature in individuals affected with CDH1-related conditions. This variant results in the deletion of exon 15 and part of exons 14 and 16 (c.2197_2588delinsGGCAAT, p.Arg733Glyfs*15) of the CDH1 gene. While this deletion is not anticipated to lead to nonsense mediated decay, it is expected to disrupt the C-terminus of the protein.

Literature cited by the submitters: PubMed 29798843.

NC_000016.9:g.(?_68862109)_(68867341_?)del

Gene: CDH1 (cadherin 1; plus strand). Cytogenetic location: 16q22.1.
Variant type: Deletion.
Identifiers: ClinVar variation 3243406 (VCV003243406.1).